The following is an entry in ClinVar:

ClinVar aggregate classification (germline): Likely benign (1 of 4 stars; one submission).

Conditions:
Migraine, familial hemiplegic, 3. Identifiers: Orphanet 569, MedGen C1864987, MONDO:0012320, OMIM 609634.

Allele frequency attached by ClinVar (database versions not stated): gnomAD exomes below 0.00001.
gnomAD v4.1: 3 of 1,614,174 alleles (0.00019%); highest among the groups gnomAD compares: Non-Finnish European, 0.00025%; no homozygotes.

Submission:

Centre for Mendelian Genomics, University Medical Centre Ljubljana
Classification: Likely benign for Migraine, familial hemiplegic, 3. Last evaluated: 2016-01-01. Review status: criteria provided, single submitter. Criteria: ACMG Guidelines, 2015. Collection method: clinical testing. Allele origin: unknown. Affected: yes.
Comment: This variant was classified as: Likely benign.

NM_001165963.4(SCN1A):c.1754G>C (p.Gly585Ala)

Gene: SCN1A (sodium voltage-gated channel alpha subunit 1; minus strand). Cytogenetic location: 2q24.3.
Variant type: single nucleotide variant.
Coding change: c.1754G>C on transcript NM_001165963.4 (MANE Select); coding-DNA position 1754, G replaced by C.
Protein change: p.Gly585Ala; replaces glycine 585 with alanine.
Molecular consequence: missense variant. On other transcripts: 5 prime UTR variant (1), non-coding transcript variant (1).
Genome position (GRCh38, 1-based): chr2:166,043,958, C>G on the plus strand (G>C on the coding strand, the complement: SCN1A is on the minus strand). VCF-style: chr2-166043958-C-G. GRCh37 (hg19) VCF-style: chr2-166900468-C-G.
Other names: c.1754G>C, p.Gly585Ala (NM_001165964.3, NM_001202435.3, NM_001353948.2 and 7 more transcripts); c.1751G>C, p.Gly584Ala (NM_001353954.2, NM_001353955.2, NM_001353960.2); c.-672G>C (NM_001353961.2); short protein forms G584A, G585A.
Identifiers: ClinVar variation 931547 (VCV000931547.3), dbSNP rs1225530396, ClinGen allele CA349067819.
Genomic context (GRCh38, chr2:166,043,958, plus strand): 5'-CTACGGCTCTCGTTATCCTCAAAGGTGCTGTGCTCATCATCTGCGAAGTCGTTCTCAGAT[C>G]CCACATCCTTTGCTCGCCCTCTAAAGCTGAAAAGGCTTGTTCTGCTATTTCGCCTTGGTG-3'
Protein context (NP_001159435.1, residues 575-595): FSFRGRAKDV[Gly585Ala]SENDFADDEH